The following is an entry in ClinVar:

NM_000051.4(ATM):c.7308-10_7309dup

Genes: ATM (ATM serine/threonine kinase; plus strand), C11orf65 (chromosome 11 open reading frame 65; minus strand). Cytogenetic location: 11q22.3.
Variant type: Duplication.
Coding change: c.7308-10_7309dup on transcript NM_000051.4 (MANE Select); 10 bases into the intron before coding-DNA position 7308 through coding-DNA position 7309, 12 bases duplicated (TCTATGCAAGAT).
Molecular consequence: splice acceptor variant. On other transcripts: intron variant (2).
Genome position (GRCh38, 1-based): chr11:108,330,204-108,330,215, TCTATGCAAGAT duplicated; duplicating any 12 consecutive bases within chr11:108,330,202-108,330,215 gives the same sequence; the c. name uses the placement nearest the transcript's 3' end. VCF-style (leftmost placement, unchanged base first): chr11-108330201-T-TATTCTATGCAAG. GRCh37 (hg19) VCF-style: chr11-108200928-T-TATTCTATGCAAG.
Other names: c.7308-10_7309dup (NM_001351834.2); c.641-21142_641-21131dup (NM_001330368.2); c.*38+5007_*38+5018dup (NM_001351110.2).
Identifiers: ClinVar variation 3222819 (VCV003222819.1), dbSNP rs2547259931, ClinGen allele CA2825001952.

ClinVar aggregate classification (germline): Uncertain significance (1 of 4 stars; one submission).

Conditions:
Hereditary cancer-predisposing syndrome. Also called: Tumor predisposition; Hereditary Cancer Syndrome; Hereditary neoplastic syndrome; Neoplastic Syndromes, Hereditary. Identifiers: Orphanet 140162, MedGen C0027672, MeSH D009386, MONDO:0015356.

Submission:

Ambry Genetics
Classification: Uncertain significance for Hereditary cancer-predisposing syndrome. Last evaluated: 2023-11-07. Review status: criteria provided, single submitter. Criteria: Ambry Variant Classification Scheme 2023. Collection method: clinical testing. Allele origin: germline.
Comment: The c.7308-10_7309dupTCTATGCAAGAT variant begins 10 nucleotides before coding exon 49 in the ATM gene. This variant results from a duplication of 12 nucleotides at positions c.7308-10 to c.7309. These nucleotide positions are well conserved in available vertebrate species. In silico splice site analysis predicts that this alteration will weaken the native splice acceptor site. RNA studies have demonstrated that this alteration results in a transcript predicted to lead to a protein with an in-frame insertion of 4 amino acids; however, the exact functional impact of the inserted amino acids is unknown at this time (Ambry internal data). Since supporting evidence is limited at this time, the clinical significance of this alteration remains unclear.